The following is an entry in ClinVar:

ClinVar aggregate classification (germline): Likely benign. Review status: criteria provided, multiple submitters, no conflicts (2 of 4 stars). 2 submissions from 2 submitters: Likely benign (2). Last evaluated 2025-06-10.

Conditions:
Tuberous sclerosis 1 (TSC1). Identifiers: Orphanet 805, MedGen C1854465, MONDO:0008612, OMIM 191100.

gnomAD v4.1: 1 of 1,343,828 alleles (0.000074%); highest among the groups gnomAD compares: Non-Finnish European, 0.0001%; no homozygotes.

Submissions (2):

Labcorp Genetics (formerly Invitae), Labcorp
Classification: Likely benign for Tuberous sclerosis 1. Last evaluated: 2025-06-10. Review status: criteria provided, single submitter. Criteria: Invitae Variant Classification Sherloc (09022015). Collection method: clinical testing. Allele origin: germline.

Myriad Genetics, Inc.
Classification: Likely benign for Tuberous sclerosis 1. Last evaluated: 2025-04-09. Review status: criteria provided, single submitter. Criteria: Myriad Autosomal Dominant, Autosomal Recessive and X-Linked Classification Criteria (2023). Collection method: clinical testing. Allele origin: unknown.
Comment: This variant is considered likely benign. This variant is intronic and is not expected to impact mRNA splicing.

NM_000368.5(TSC1):c.914-7A>G

Gene: TSC1 (TSC complex subunit 1; minus strand). Cytogenetic location: 9q34.13.
Variant type: single nucleotide variant.
Coding change: c.914-7A>G on transcript NM_000368.5 (MANE Select); 7 bases into the intron before coding-DNA position 914, A replaced by G.
Molecular consequence: intron variant.
Genome position (GRCh38, 1-based): chr9:132,911,575, T>C on the plus strand (A>G on the coding strand, the complement: TSC1 is on the minus strand). VCF-style: chr9-132911575-T-C. GRCh37 (hg19) VCF-style: chr9-135786962-T-C.
Other names: c.551-7A>G (NM_001362177.2); c.761-7A>G (NM_001162427.2); c.914-7A>G (NM_001162426.2).
Identifiers: ClinVar variation 770062 (VCV000770062.10), dbSNP rs1588325018, ClinGen allele CA915947256.